The following is an entry in ClinVar:

ClinVar aggregate classification (germline): Uncertain significance (1 of 4 stars; one submission).

Allele frequency attached by ClinVar (database versions not stated): TOPMed below 0.00001; gnomAD 0.00001; gnomAD exomes 0.00001.
gnomAD v4.1: 8 of 1,614,076 alleles (0.0005%); highest among the groups gnomAD compares: Non-Finnish European, 0.00068%; no homozygotes.

Submission:

Labcorp Genetics (formerly Invitae), Labcorp
Classification: Uncertain significance. Last evaluated: 2021-10-13. Review status: criteria provided, single submitter. Criteria: Invitae Variant Classification Sherloc (09022015). Collection method: clinical testing. Allele origin: germline.
Comment: In summary, the available evidence is currently insufficient to determine the role of this variant in disease. Therefore, it has been classified as a Variant of Uncertain Significance. Algorithms developed to predict the effect of missense changes on protein structure and function are either unavailable or do not agree on the potential impact of this missense change (SIFT: "Deleterious"; PolyPhen-2: "Benign"; Align-GVGD: "Class C0"). This variant has not been reported in the literature in individuals affected with RHOBTB2-related conditions. This variant is not present in population databases (ExAC no frequency). This sequence change replaces tyrosine with aspartic acid at codon 429 of the RHOBTB2 protein (p.Tyr429Asp). The tyrosine residue is moderately conserved and there is a large physicochemical difference between tyrosine and aspartic acid.

NM_015178.3(RHOBTB2):c.1219T>G (p.Tyr407Asp)

Gene: RHOBTB2 (Rho related BTB domain containing 2; plus strand). Cytogenetic location: 8p21.3.
Variant type: single nucleotide variant.
Coding change: c.1219T>G on transcript NM_015178.3 (MANE Select); coding-DNA position 1219, T replaced by G.
Protein change: p.Tyr407Asp; replaces tyrosine 407 with aspartic acid.
Molecular consequence: missense variant.
Genome position (GRCh38, 1-based): chr8:23,007,464, T>G. VCF-style: chr8-23007464-T-G. GRCh37 (hg19) VCF-style: chr8-22864977-T-G.
Other names: c.1285T>G, p.Tyr429Asp (NM_001160036.2); c.1240T>G, p.Tyr414Asp (NM_001160037.2); c.1219T>G, p.Tyr407Asp (NM_001374791.1); short protein forms Y407D, Y429D, Y414D.
Identifiers: ClinVar variation 1481310 (VCV001481310.6), dbSNP rs1390276463, ClinGen allele CA370567707.